The following is an entry in ClinVar:

ClinVar aggregate classification (germline): Uncertain significance (1 of 4 stars; one submission).

Conditions:
Adenylosuccinate lyase deficiency (ADSLD). Also called: ADSL DEFICIENCY. Identifiers: Orphanet 46, MedGen C0268126, MONDO:0007068, OMIM 103050.

Allele frequency attached by ClinVar (database versions not stated): gnomAD exomes below 0.00001 and 0.00002; gnomAD 0.00001; TOPMed 0.00001.
gnomAD v4.1: 25 of 1,613,984 alleles (0.0015%); highest among the groups gnomAD compares: Non-Finnish European, 0.0019%; no homozygotes.

Submission:

Labcorp Genetics (formerly Invitae), Labcorp
Classification: Uncertain significance for Adenylosuccinate lyase deficiency. Last evaluated: 2022-04-25. Review status: criteria provided, single submitter. Criteria: Invitae Variant Classification Sherloc (09022015). Collection method: clinical testing. Allele origin: germline.
Comment: This variant is present in population databases (no rsID available, gnomAD 0.0009%). This variant has not been reported in the literature in individuals affected with ADSL-related conditions. Algorithms developed to predict the effect of missense changes on protein structure and function are either unavailable or do not agree on the potential impact of this missense change (SIFT: "Deleterious"; PolyPhen-2: "Benign"; Align-GVGD: "Class C15"). In summary, the available evidence is currently insufficient to determine the role of this variant in disease. Therefore, it has been classified as a Variant of Uncertain Significance. This sequence change replaces methionine, which is neutral and non-polar, with valine, which is neutral and non-polar, at codon 387 of the ADSL protein (p.Met387Val).

NM_000026.4(ADSL):c.1159A>G (p.Met387Val)

Gene: ADSL (adenylosuccinate lyase; plus strand). Cytogenetic location: 22q13.1.
Variant type: single nucleotide variant.
Coding change: c.1159A>G on transcript NM_000026.4 (MANE Select); coding-DNA position 1159, A replaced by G.
Protein change: p.Met387Val; replaces methionine 387 with valine.
Molecular consequence: missense variant. On other transcripts: non-coding transcript variant (1).
Genome position (GRCh38, 1-based): chr22:40,364,333, A>G. VCF-style: chr22-40364333-A-G. GRCh37 (hg19) VCF-style: chr22-40760337-A-G.
Other names: c.1159A>G, p.Met387Val (NM_001123378.3, NM_001363840.3); c.967A>G, p.Met323Val (NM_001317923.2); short protein forms M323V, M387V.
Identifiers: ClinVar variation 1480883 (VCV001480883.8), dbSNP rs1264910912, ClinGen allele CA411646643.
Genomic context (GRCh38, chr22:40,364,333, plus strand): 5'-TAGGTAATTGAACGGCGCATTCGGCAAGAGCTGCCTTTCATGGCCACAGAGAACATCATC[A>G]TGGCCATGGTCAAAGCTGGAGGTAGCCGCCAGGTTTGTAACCCCTCATGTTCCTGGATAA-3'
Protein context (NP_000017.1, residues 377-397): LPFMATENII[Met387Val]AMVKAGGSRQ